The following is an entry in ClinVar:

ClinVar aggregate classification (germline): Uncertain significance (1 of 4 stars; one submission).

Conditions:
Distal hereditary motor neuropathy type 2. Identifiers: Orphanet 139525, MedGen C3711384, MeSH C580044, MONDO:0015352.

Submission:

Labcorp Genetics (formerly Invitae), Labcorp
Classification: Uncertain significance for Distal hereditary motor neuropathy type 2. Last evaluated: 2023-04-24. Review status: criteria provided, single submitter. Criteria: Invitae Variant Classification Sherloc (09022015). Collection method: clinical testing. Allele origin: germline.
Comment: In summary, the available evidence is currently insufficient to determine the role of this variant in disease. Therefore, it has been classified as a Variant of Uncertain Significance. Advanced modeling of protein sequence and biophysical properties (such as structural, functional, and spatial information, amino acid conservation, physicochemical variation, residue mobility, and thermodynamic stability) has been performed at Invitae for this missense variant, however the output from this modeling did not meet the statistical confidence thresholds required to predict the impact of this variant on FBXO38 protein function. ClinVar contains an entry for this variant (Variation ID: 1519218). This variant has not been reported in the literature in individuals affected with FBXO38-related conditions. This variant is not present in population databases (gnomAD no frequency). This sequence change replaces alanine, which is neutral and non-polar, with valine, which is neutral and non-polar, at codon 63 of the FBXO38 protein (p.Ala63Val).

NM_205836.3(FBXO38):c.188C>T (p.Ala63Val)

Gene: FBXO38 (F-box protein 38; plus strand). Cytogenetic location: 5q32.
Variant type: single nucleotide variant.
Coding change: c.188C>T on transcript NM_205836.3 (MANE Select); coding-DNA position 188, C replaced by T.
Protein change: p.Ala63Val; replaces alanine 63 with valine.
Molecular consequence: missense variant.
Genome position (GRCh38, 1-based): chr5:148,399,058, C>T. VCF-style: chr5-148399058-C-T. GRCh37 (hg19) VCF-style: chr5-147778621-C-T.
Other names: c.188C>T, p.Ala63Val (NM_001271723.2, NM_030793.5); short protein forms A63V.
Identifiers: ClinVar variation 1519218 (VCV001519218.8), dbSNP rs2113521830, ClinGen allele CA361654188.